The following is an entry in ClinVar:

NM_001171.6(ABCC6):c.2992C>T (p.Gln998Ter)

Gene: ABCC6 (ATP binding cassette subfamily C member 6; minus strand). Cytogenetic location: 16p13.11.
Variant type: single nucleotide variant.
Coding change: c.2992C>T on transcript NM_001171.6 (MANE Select); coding-DNA position 2992, C replaced by T.
Protein change: p.Gln998Ter; replaces glutamine 998 with a stop codon.
Molecular consequence: nonsense. On other transcripts: non-coding transcript variant (1).
Genome position (GRCh38, 1-based): chr16:16,169,649, G>A on the plus strand (C>T on the coding strand, the complement: ABCC6 is on the minus strand). VCF-style: chr16-16169649-G-A. GRCh37 (hg19) VCF-style: chr16-16263506-G-A.
Other names: c.2650C>T, p.Gln884Ter (NM_001351800.1); c.2992C>T (NM_001171.5); short protein forms Q884*, Q998*.
Identifiers: ClinVar variation 3687826 (VCV003687826.3).
Genomic context (GRCh38, chr16:16,169,649, plus strand): 5'-TGAGCACCCCTTGGTGCAGCTGGGAGGAGAGGGATGAGGAGGGCAGGTGAGGCGTACCTT[G>A]GAGACAGCCGAGGAGCCCGAAGATCCCGCCACGCAGGGCTGCCTGCGTCTGCTGCCCACC-3'

ClinVar aggregate classification (germline): Pathogenic/Likely pathogenic. Review status: criteria provided, multiple submitters, no conflicts (2 of 4 stars). 2 submissions from 2 submitters: Pathogenic (1); Likely pathogenic (1). Last evaluated 2026-04-27.

Conditions:
ABCC6-related disorder. Also called: ABCC6-related condition.

Submissions (2):

PreventionGenetics, part of Exact Sciences
Classification: Likely pathogenic for ABCC6-related condition. Last evaluated: 2026-04-27. Review status: criteria provided, single submitter. Criteria: ACMG Guidelines, 2015. Collection method: clinical testing. Allele origin: germline.
Comment: The ABCC6 c.2992C>T variant is predicted to result in premature protein termination (p.Gln998*). To our knowledge, this variant has not been reported in the literature. This variant is reported in 0.0033% of alleles in individuals of South Asian descent in gnomAD. Nonsense variants in ABCC6 are expected to be pathogenic. This variant is interpreted as likely pathogenic.

Labcorp Genetics (formerly Invitae), Labcorp
Classification: Pathogenic. Last evaluated: 2024-03-04. Review status: criteria provided, single submitter. Criteria: Invitae Variant Classification Sherloc (09022015). Collection method: clinical testing. Allele origin: germline.
Comment: This sequence change creates a premature translational stop signal (p.Gln998*) in the ABCC6 gene. It is expected to result in an absent or disrupted protein product. Loss-of-function variants in ABCC6 are known to be pathogenic (PMID: 11536079, 17617515). This variant is present in population databases (rs777193567, gnomAD 0.003%). This variant has not been reported in the literature in individuals affected with ABCC6-related conditions. For these reasons, this variant has been classified as Pathogenic.

Literature cited by the submitters: PubMed 11536079 (cited by Labcorp Genetics (formerly Invitae), Labcorp); PubMed 17617515 (cited by Labcorp Genetics (formerly Invitae), Labcorp).